The following is an entry in ClinVar:

NM_005475.3(SH2B3):c.1369C>G (p.Arg457Gly)

Gene: SH2B3 (SH2B adaptor protein 3; plus strand). Cytogenetic location: 12q24.12.
Variant type: single nucleotide variant.
Coding change: c.1369C>G on transcript NM_005475.3 (MANE Select); coding-DNA position 1369, C replaced by G.
Protein change: p.Arg457Gly; replaces arginine 457 with glycine.
Molecular consequence: missense variant.
Genome position (GRCh38, 1-based): chr12:111,447,788, C>G. VCF-style: chr12-111447788-C-G. GRCh37 (hg19) VCF-style: chr12-111885592-C-G.
Other names: c.763C>G, p.Arg255Gly (NM_001291424.1); short protein forms R457G, R255G.
Identifiers: ClinVar variation 3953469 (VCV003953469.1).

ClinVar aggregate classification (germline): Uncertain significance (1 of 4 stars; one submission).

Conditions:
Inborn genetic diseases. Identifiers: MedGen C0950123, MeSH D030342.

Submission:

Ambry Genetics
Classification: Uncertain significance for Inborn genetic diseases. Last evaluated: 2025-04-21. Review status: criteria provided, single submitter. Criteria: Ambry Variant Classification Scheme 2023. Collection method: clinical testing. Allele origin: germline.
Comment: The p.R457G variant (also known as c.1369C>G), located in coding exon 6 of the SH2B3 gene, results from a C to G substitution at nucleotide position 1369. The arginine at codon 457 is replaced by glycine, an amino acid with dissimilar properties. This amino acid position is conserved. In addition, this alteration is predicted to be tolerated by in silico analysis. Based on the available evidence, the clinical significance of this variant remains unclear.